The following is an entry in ClinVar:

ClinVar aggregate classification (germline): Pathogenic (1 of 4 stars; one submission).

Conditions:
Leber congenital amaurosis (LCA). Also called: Leber's amaurosis. Identifiers: Orphanet 65, MedGen C0339527, MeSH D057130, MONDO:0018998.

Submission:

Lab De Baere, Eye and Developmental Genetics Lab, Ghent University
Classification: Pathogenic for Leber congenital amaurosis. Last evaluated: 2024-10-01. Review status: criteria provided, single submitter. Criteria: ACMG Guidelines, 2015. Collection method: research. Allele origin: inherited. Affected: yes. Observed: 1 variant allele.
Comment: ACMG/AMP guidelines: PM2, PP4_PP, PVS1, PM3_PP

NM_201253.3(CRB1):c.1617T>G (p.Ser539Arg)

Gene: CRB1 (crumbs cell polarity complex component 1; plus strand). Cytogenetic location: 1q31.3.
Variant type: single nucleotide variant.
Coding change: c.1617T>G on transcript NM_201253.3 (MANE Select); coding-DNA position 1617, T replaced by G.
Protein change: p.Ser539Arg; replaces serine 539 with arginine.
Molecular consequence: missense variant. On other transcripts: non-coding transcript variant (2).
Genome position (GRCh38, 1-based): chr1:197,421,445, T>G. VCF-style: chr1-197421445-T-G. GRCh37 (hg19) VCF-style: chr1-197390575-T-G.
Other names: c.1281T>G, p.Ser427Arg (NM_001193640.2); c.1410T>G, p.Ser470Arg (NM_001257965.2); c.1617T>G, p.Ser539Arg (NM_001257966.2); short protein forms S470R, S427R, S539R.
Identifiers: ClinVar variation 3544435 (VCV003544435.1).